The following is an entry in ClinVar:

NM_005337.5(NCKAP1L):c.2862+3A>G

Gene: NCKAP1L (NCK associated protein 1 like; plus strand). Cytogenetic location: 12q13.2.
Variant type: single nucleotide variant.
Coding change: c.2862+3A>G on transcript NM_005337.5 (MANE Select); 3 bases into the intron after coding-DNA position 2862, A replaced by G.
Molecular consequence: intron variant.
Genome position (GRCh38, 1-based): chr12:54,532,253, A>G. VCF-style: chr12-54532253-A-G. GRCh37 (hg19) VCF-style: chr12-54926037-A-G.
Other names: c.2712+3A>G (NM_001184976.2).
Identifiers: ClinVar variation 1954579 (VCV001954579.5), dbSNP rs902225537, ClinGen allele CA237465453.
Genomic context (GRCh38, chr12:54,532,253, plus strand): 5'-TCTTATGGGTCCCATTGAGTGCTTGAAGGAGTTTGTCACTCCAGACACAGACATCAAGGT[A>G]TGGAGGAGTGCAAAGTAGAATCTAATTAGGAGACTTTTGTTGTTGAAAAGGAGGTAGCTA-3'

ClinVar aggregate classification (germline): Uncertain significance (1 of 4 stars; one submission).

Allele frequency attached by ClinVar (database versions not stated): gnomAD exomes below 0.00001; gnomAD 0.00001; TOPMed 0.00001.
gnomAD v4.1: 7 of 1,609,374 alleles (0.00043%); highest among the groups gnomAD compares: Non-Finnish European, 0.00059%; no homozygotes.

Submission:

Labcorp Genetics (formerly Invitae), Labcorp
Classification: Uncertain significance. Last evaluated: 2022-10-19. Review status: criteria provided, single submitter. Criteria: Invitae Variant Classification Sherloc (09022015). Collection method: clinical testing. Allele origin: germline.
Comment: This sequence change falls in intron 26 of the NCKAP1L gene. It does not directly change the encoded amino acid sequence of the NCKAP1L protein. It affects a nucleotide within the consensus splice site. This variant is present in population databases (no rsID available, gnomAD 0.0009%). This variant has not been reported in the literature in individuals affected with NCKAP1L-related conditions. Variants that disrupt the consensus splice site are a relatively common cause of aberrant splicing (PMID: 17576681, 9536098). Algorithms developed to predict the effect of sequence changes on RNA splicing suggest that this variant is not likely to affect RNA splicing. In summary, the available evidence is currently insufficient to determine the role of this variant in disease. Therefore, it has been classified as a Variant of Uncertain Significance.

Literature cited by the submitters: PubMed 17576681; PubMed 9536098.